The following is an entry in ClinVar:

NM_000553.6(WRN):c.389A>G (p.Asn130Ser)

Gene: WRN (WRN RecQ like helicase; plus strand). Cytogenetic location: 8p12.
Variant type: single nucleotide variant.
Coding change: c.389A>G on transcript NM_000553.6 (MANE Select); coding-DNA position 389, A replaced by G.
Protein change: p.Asn130Ser; replaces asparagine 130 with serine.
Molecular consequence: missense variant.
Genome position (GRCh38, 1-based): chr8:31,064,948, A>G. VCF-style: chr8-31064948-A-G. GRCh37 (hg19) VCF-style: chr8-30922464-A-G.
Other names: short protein forms N130S.
Identifiers: ClinVar variation 656607 (VCV000656607.7), dbSNP rs1373932201, ClinGen allele CA370914662.

ClinVar aggregate classification (germline): Uncertain significance (1 of 4 stars; one submission).

Conditions:
Werner syndrome (WRN). Identifiers: Orphanet 902, MedGen C0043119, MONDO:0010196, OMIM 277700.

Allele frequency attached by ClinVar (database versions not stated): gnomAD exomes below 0.00001; TOPMed below 0.00001; gnomAD 0.00001.
gnomAD v4.1: 2 of 1,613,624 alleles (0.00012%); highest among the groups gnomAD compares: Non-Finnish European, 0.00017%; no homozygotes.

Submission:

Labcorp Genetics (formerly Invitae), Labcorp
Classification: Uncertain significance for Werner syndrome. Last evaluated: 2025-08-18. Review status: criteria provided, single submitter. Criteria: Invitae Variant Classification Sherloc (09022015). Collection method: clinical testing. Allele origin: germline.
Comment: This sequence change replaces asparagine, which is neutral and polar, with serine, which is neutral and polar, at codon 130 of the WRN protein (p.Asn130Ser). This variant is not present in population databases (gnomAD no frequency). This variant has not been reported in the literature in individuals affected with WRN-related conditions. ClinVar contains an entry for this variant (Variation ID: 656607). An algorithm developed to predict the effect of missense changes on protein structure and function (PolyPhen-2) suggests that this variant is likely to be tolerated. In summary, the available evidence is currently insufficient to determine the role of this variant in disease. Therefore, it has been classified as a Variant of Uncertain Significance.